The following is an entry in ClinVar:

NM_005883.3(APC2):c.145G>A (p.Val49Ile)

Gene: APC2 (APC regulator of Wnt signaling pathway 2; plus strand). Cytogenetic location: 19p13.3.
Variant type: single nucleotide variant.
Coding change: c.145G>A on transcript NM_005883.3 (MANE Select); coding-DNA position 145, G replaced by A.
Protein change: p.Val49Ile; replaces valine 49 with isoleucine.
Molecular consequence: missense variant.
Genome position (GRCh38, 1-based): chr19:1,453,250, G>A. VCF-style: chr19-1453250-G-A. GRCh37 (hg19) VCF-style: chr19-1453249-G-A.
Other names: c.145G>A, p.Val49Ile (NM_001351273.1); short protein forms V49I.
Identifiers: ClinVar variation 4583198 (VCV004583198.1).

ClinVar aggregate classification (germline): Uncertain significance (1 of 4 stars; one submission).

Conditions:
Inborn genetic diseases. Identifiers: MedGen C0950123, MeSH D030342.

Submission:

Ambry Genetics
Classification: Uncertain significance for Inborn genetic diseases. Last evaluated: 2025-11-20. Review status: criteria provided, single submitter. Criteria: Ambry Variant Classification Scheme 2023. Collection method: clinical testing. Allele origin: germline.
Comment: The c.145G>A (p.V49I) alteration is located in exon 3 (coding exon 2) of the APC2 gene. This alteration results from a G to A substitution at nucleotide position 145, causing the valine (V) at amino acid position 49 to be replaced by an isoleucine (I). Based on data from gnomAD, the A allele has an overall frequency of <0.001% (0/170590) total alleles studied. The highest observed frequency was <0.001% (/) of alleles. Based on insufficient or conflicting evidence, the clinical significance of this alteration remains unclear.